The following is an entry in ClinVar:

ClinVar aggregate classification (germline): Pathogenic/Likely pathogenic. Review status: criteria provided, multiple submitters, no conflicts (2 of 4 stars). 3 submissions from 3 submitters: Pathogenic (2); Likely pathogenic (1). Last evaluated 2026-01-12.

Conditions:
FRAS1-related disorder. Also called: FRAS1-related condition.

Allele frequency attached by ClinVar (database versions not stated): gnomAD 0.00001; TOPMed 0.00001.
gnomAD v4.1: 13 of 1,613,336 alleles (0.00081%); highest among the groups gnomAD compares: Non-Finnish European, 0.0011%; no homozygotes.

Submissions (3):

Labcorp Genetics (formerly Invitae), Labcorp
Classification: Pathogenic. Last evaluated: 2026-01-12. Review status: criteria provided, single submitter. Criteria: Invitae Variant Classification Sherloc (09022015). Collection method: clinical testing. Allele origin: germline.
Comment: This sequence change creates a premature translational stop signal (p.Trp1339*) in the FRAS1 gene. It is expected to result in an absent or disrupted protein product. Loss-of-function variants in FRAS1 are known to be pathogenic (PMID: 12766769, 18671281). This variant is not present in population databases (gnomAD no frequency). This variant has not been reported in the literature in individuals affected with FRAS1-related conditions. ClinVar contains an entry for this variant (Variation ID: 1939018). For these reasons, this variant has been classified as Pathogenic.

PreventionGenetics, part of Exact Sciences
Classification: Pathogenic for FRAS1-related condition. Last evaluated: 2023-02-22. Review status: criteria provided, single submitter. Criteria: ACMG Guidelines, 2015. Collection method: clinical testing. Allele origin: germline.
Comment: The FRAS1 c.4016G>A variant is predicted to result in premature protein termination (p.Trp1339*). To our knowledge, this variant has not been reported in the literature or in a large population database, indicating this variant is rare. Here, at PreventionGenetics, we have detected this variant in trans with a pathogenic variant. Nonsense variants in FRAS1 are expected to be pathogenic. Given the evidence, we interpret c.4016G>A (p.Trp1339*) as pathogenic.

Blueprint Genetics
Classification: Likely pathogenic for FRAS1-related disorders. Last evaluated: 2021-08-31. Review status: criteria provided, single submitter. Criteria: ACMG Guidelines, 2015. Collection method: clinical testing. Allele origin: germline. Affected: yes. Observed: 1 variant allele.

Literature cited by the submitters: PubMed 12766769 (cited by Labcorp Genetics (formerly Invitae), Labcorp); PubMed 18671281 (cited by Labcorp Genetics (formerly Invitae), Labcorp).

NM_025074.7(FRAS1):c.4016G>A (p.Trp1339Ter)

Gene: FRAS1 (Fraser extracellular matrix complex subunit 1; plus strand). Cytogenetic location: 4q21.21.
Variant type: single nucleotide variant.
Coding change: c.4016G>A on transcript NM_025074.7 (MANE Select); coding-DNA position 4016, G replaced by A.
Protein change: p.Trp1339Ter; replaces tryptophan 1339 with a stop codon.
Molecular consequence: nonsense.
Genome position (GRCh38, 1-based): chr4:78,400,774, G>A. VCF-style: chr4-78400774-G-A. GRCh37 (hg19) VCF-style: chr4-79321928-G-A.
Other names: c.4016G>A (NM_025074.6); c.4016G>A, p.Trp1339Ter (NM_001166133.2); short protein forms W1339*.
Identifiers: ClinVar variation 1939018 (VCV001939018.7), dbSNP rs902819798, ClinGen allele CA99964828.
Genomic context (GRCh38, chr4:78,400,774, plus strand): 5'-GCATTTTATTTTTATTTCAGAATGACAGGGGTCTTCAGCTTGTGGCTAATTCGATGGTGT[G>A]GGTTCCAGAAGGGGGGATGCTGCAGATCACCAACAGAATCTTACAGGCCGAGGCTCCTGG-3'